The following is an entry in ClinVar:

NM_017617.5(NOTCH1):c.2353+15C>T

Gene: NOTCH1 (notch receptor 1; minus strand). Cytogenetic location: 9q34.3.
Variant type: single nucleotide variant.
Coding change: c.2353+15C>T on transcript NM_017617.5 (MANE Select); 15 bases into the intron after coding-DNA position 2353, C replaced by T.
Molecular consequence: intron variant.
Genome position (GRCh38, 1-based): chr9:136,513,377, G>A on the plus strand (C>T on the coding strand, the complement: NOTCH1 is on the minus strand). VCF-style: chr9-136513377-G-A. GRCh37 (hg19) VCF-style: chr9-139407829-G-A.
Other names: c.2353+15C>T (LRG_1122t1).
Identifiers: ClinVar variation 509812 (VCV000509812.5), dbSNP rs773271446, ClinGen allele CA5341402.

ClinVar aggregate classification (germline): Likely benign. Review status: criteria provided, multiple submitters, no conflicts (2 of 4 stars). 2 submissions from 2 submitters: Likely benign (2). Last evaluated 2025-12-14.

Conditions:
Adams-Oliver syndrome 5 (AOS5). Identifiers: Orphanet 974, MedGen C4014970, MONDO:0014459, OMIM 616028.

Allele frequency attached by ClinVar (database versions not stated): gnomAD 0.00001; gnomAD exomes 0.00001 and 0.00004; TOPMed 0.00002; ExAC 0.00003.
gnomAD v4.1: 19 of 1,612,512 alleles (0.0012%); highest among the groups gnomAD compares: Admixed American, 0.01%; no homozygotes.

Submissions (2):

Labcorp Genetics (formerly Invitae), Labcorp
Classification: Likely benign for Adams-Oliver syndrome 5. Last evaluated: 2025-12-14. Review status: criteria provided, single submitter. Criteria: Invitae Variant Classification Sherloc (09022015). Collection method: clinical testing. Allele origin: germline.

GeneDx
Classification: Likely benign. Last evaluated: 2017-05-25. Review status: criteria provided, single submitter. Criteria: GeneDx Variant Classification (06012015). Collection method: clinical testing. Allele origin: germline. Affected: yes.
Comment: This variant is considered likely benign or benign based on one or more of the following criteria: it is a conservative change, it occurs at a poorly conserved position in the protein, it is predicted to be benign by multiple in silico algorithms, and/or has population frequency not consistent with disease.